The following is an entry in ClinVar:

ClinVar aggregate classification (germline): Benign. Review status: criteria provided, single submitter (1 of 4 stars). 2 submissions from 2 submitters: Benign (1). 1 of the submissions does not count toward it. Last evaluated 2025-11-03.

Allele frequency attached by ClinVar (database versions not stated): gnomAD 0.00016 and 0.00021; TOPMed 0.00026; ExAC 0.00037; 1000 Genomes Project 0.00040; gnomAD exomes 0.00045; 1000 Genomes Project 30x 0.00047.
gnomAD v4.1: 230 of 1,614,178 alleles (0.014%); highest among the groups gnomAD compares: East Asian, 0.43%; no homozygotes.

Submissions (2):

Labcorp Genetics (formerly Invitae), Labcorp
Classification: Benign. Last evaluated: 2025-11-03. Review status: criteria provided, single submitter. Criteria: Invitae Variant Classification Sherloc (09022015). Collection method: clinical testing. Allele origin: germline.

ITMI
No classification provided. Condition: AllHighlyPenetrant. Last evaluated: 2013-09-19. Review status: no classification provided. Collection method: reference population. Allele origin: germline. Not counted in ClinVar's aggregate classification.
Comment: Please see associated publication for description of ethnicities

Literature cited by the submitters: PubMed 24728327 (cited by ITMI).

NM_006164.5(NFE2L2):c.1346G>A (p.Arg449His)

Gene: NFE2L2 (NFE2 like bZIP transcription factor 2; minus strand). Cytogenetic location: 2q31.2.
Variant type: single nucleotide variant.
Coding change: c.1346G>A on transcript NM_006164.5 (MANE Select); coding-DNA position 1346, G replaced by A.
Protein change: p.Arg449His; replaces arginine 449 with histidine.
Molecular consequence: missense variant.
Genome position (GRCh38, 1-based): chr2:177,231,257, C>T on the plus strand (G>A on the coding strand, the complement: NFE2L2 is on the minus strand). VCF-style: chr2-177231257-C-T. GRCh37 (hg19) VCF-style: chr2-178095985-C-T.
Other names: c.1298G>A, p.Arg433His (NM_001145412.3, NM_001313900.1, NM_001313901.1); c.1277G>A, p.Arg426His (NM_001145413.3); c.1256G>A, p.Arg419His (NM_001313902.2); c.1127G>A, p.Arg376His (NM_001313903.2); c.1046G>A, p.Arg349His (NM_001313904.1); short protein forms R433H, R426H, R449H, R349H, R376H, R419H.
Identifiers: ClinVar variation 134905 (VCV000134905.10), dbSNP rs181294188, ClinGen allele CA161133.